The following is an entry in ClinVar:

ClinVar aggregate classification (germline): Uncertain significance (1 of 4 stars; one submission).

gnomAD v4.1: 2 of 1,614,232 alleles (0.00012%); highest among the groups gnomAD compares: Non-Finnish European, 0.00017%; no homozygotes.

Submission:

GeneDx
Classification: Uncertain significance. Last evaluated: 2024-05-06. Review status: criteria provided, single submitter. Criteria: GeneDx Variant Classification Process June 2021. Collection method: clinical testing. Allele origin: germline. Affected: yes.
Comment: Not observed at significant frequency in large population cohorts (gnomAD); In silico analysis indicates that this missense variant does not alter protein structure/function; Has not been previously published as pathogenic or benign to our knowledge

NM_001991.5(EZH1):c.976A>G (p.Ile326Val)

Gene: EZH1 (enhancer of zeste 1 polycomb repressive complex 2 subunit; minus strand). Cytogenetic location: 17q21.2.
Variant type: single nucleotide variant.
Coding change: c.976A>G on transcript NM_001991.5 (MANE Select); coding-DNA position 976, A replaced by G.
Protein change: p.Ile326Val; replaces isoleucine 326 with valine.
Molecular consequence: missense variant.
Genome position (GRCh38, 1-based): chr17:42,718,023, T>C on the plus strand (A>G on the coding strand, the complement: EZH1 is on the minus strand). VCF-style: chr17-42718023-T-C. GRCh37 (hg19) VCF-style: chr17-40870041-T-C.
Other names: c.994A>G, p.Ile332Val (NM_001321079.2); c.949A>G, p.Ile317Val (NM_001321081.2); c.856A>G, p.Ile286Val (NM_001321082.2); short protein forms I286V, I317V, I326V, I332V.
Identifiers: ClinVar variation 3375866 (VCV003375866.1).
Genomic context (GRCh38, chr17:42,718,023, plus strand): 5'-CTTAAGAACATACCAGCAAAAGGAAGCAGTCTGTGCCACATGGTTCTGGTTCAATCTTGA[T>C]TTCTTTATTCTTGCGTTTATATACATTAGGGGTGGCATGAAAAGCTGGAAAACAAAAACT-3'
Protein context (NP_001982.2, residues 316-336): PNVYKRKNKE[Ile326Val]KIEPEPCGTD